The following is an entry in ClinVar:

ClinVar aggregate classification (germline): Uncertain significance (1 of 4 stars; one submission).

gnomAD v4.1: 1 of 1,614,152 alleles (0.000062%); highest among the groups gnomAD compares: Non-Finnish European, 0.000085%; no homozygotes.

Submission:

Labcorp Genetics (formerly Invitae), Labcorp
Classification: Uncertain significance. Last evaluated: 2025-10-05. Review status: criteria provided, single submitter. Criteria: Invitae Variant Classification Sherloc (09022015). Collection method: clinical testing. Allele origin: germline.
Comment: This sequence change replaces arginine, which is basic and polar, with serine, which is neutral and polar, at codon 852 of the NIN protein (p.Arg852Ser). This variant is not present in population databases (gnomAD no frequency). This variant has not been reported in the literature in individuals affected with NIN-related conditions. An algorithm developed to predict the effect of missense changes on protein structure and function (PolyPhen-2) suggests that this variant is likely to be tolerated. In summary, the available evidence is currently insufficient to determine the role of this variant in disease. Therefore, it has been classified as a Variant of Uncertain Significance.

NM_020921.4(NIN):c.2554C>A (p.Arg852Ser)

Gene: NIN (ninein; minus strand). Cytogenetic location: 14q22.1.
Variant type: single nucleotide variant.
Coding change: c.2554C>A on transcript NM_020921.4 (MANE Select); coding-DNA position 2554, C replaced by A.
Protein change: p.Arg852Ser; replaces arginine 852 with serine.
Molecular consequence: missense variant. On other transcripts: intron variant (1).
Genome position (GRCh38, 1-based): chr14:50,758,476, G>T on the plus strand (C>A on the coding strand, the complement: NIN is on the minus strand). VCF-style: chr14-50758476-G-T. GRCh37 (hg19) VCF-style: chr14-51225194-G-T.
Other names: c.2554C>A, p.Arg852Ser (NM_182944.3, NM_182946.2); c.2399+1381C>A (NM_016350.5); short protein forms R852S.
Identifiers: ClinVar variation 4728496 (VCV004728496.1).